The following is an entry in ClinVar:

NM_006904.7(PRKDC):c.20G>C (p.Gly7Ala)

Genes: PRKDC (protein kinase, DNA-activated, catalytic subunit; minus strand), LOC129929030 (ATAC-STARR-seq lymphoblastoid silent region 19177; plus strand). Cytogenetic location: 8q11.21.
Variant type: single nucleotide variant.
Coding change: c.20G>C on transcript NM_006904.7 (MANE Select); coding-DNA position 20, G replaced by C.
Protein change: p.Gly7Ala; replaces glycine 7 with alanine.
Molecular consequence: missense variant.
Genome position (GRCh38, 1-based): chr8:47,960,107, C>G on the plus strand (G>C on the coding strand, the complement: PRKDC is on the minus strand). VCF-style: chr8-47960107-C-G. GRCh37 (hg19) VCF-style: chr8-48872667-C-G.
Other names: c.20G>C (NM_006904.6); c.20G>C, p.Gly7Ala (NM_001081640.2); short protein forms G7A.
Identifiers: ClinVar variation 1511615 (VCV001511615.5), dbSNP rs764675406, ClinGen allele CA4742119.

ClinVar aggregate classification (germline): Uncertain significance. Review status: criteria provided, multiple submitters, no conflicts (2 of 4 stars). 2 submissions from 2 submitters: Uncertain significance (2). Last evaluated 2023-08-17.

Conditions:
Severe combined immunodeficiency due to DNA-PKcs deficiency. Also called: IMMUNODEFICIENCY 26 WITH NEUROLOGIC ABNORMALITIES; Immunodeficiency 26 with or without neurologic abnormalities. Identifiers: Orphanet 317425, MedGen C4014833, MONDO:0014423, OMIM 615966.

Allele frequency attached by ClinVar (database versions not stated): TOPMed below 0.00001; gnomAD 0.00001; gnomAD exomes 0.00003; ExAC 0.00010.
gnomAD v4.1: 14 of 1,510,386 alleles (0.00093%); highest among the groups gnomAD compares: East Asian, 0.0026%; no homozygotes.

Submissions (2):

Labcorp Genetics (formerly Invitae), Labcorp
Classification: Uncertain significance for Severe combined immunodeficiency due to DNA-PKcs deficiency. Last evaluated: 2023-08-17. Review status: criteria provided, single submitter. Criteria: Invitae Variant Classification Sherloc (09022015). Collection method: clinical testing. Allele origin: germline.
Comment: This sequence change replaces glycine, which is neutral and non-polar, with alanine, which is neutral and non-polar, at codon 7 of the PRKDC protein (p.Gly7Ala). This variant is present in population databases (rs764675406, gnomAD 0.02%). This variant has not been reported in the literature in individuals affected with PRKDC-related conditions. ClinVar contains an entry for this variant (Variation ID: 1511615). Experimental studies and prediction algorithms are not available or were not evaluated, and the functional significance of this variant is currently unknown. In summary, the available evidence is currently insufficient to determine the role of this variant in disease. Therefore, it has been classified as a Variant of Uncertain Significance.

Ambry Genetics
Classification: Uncertain significance. Last evaluated: 2023-06-05. Review status: criteria provided, single submitter. Criteria: Ambry Variant Classification Scheme 2023. Collection method: clinical testing. Allele origin: germline.